The following is an entry in ClinVar:

ClinVar aggregate classification (germline): Conflicting classifications of pathogenicity. Review status: criteria provided, conflicting classifications (1 of 4 stars). 2 submissions from 2 submitters: Uncertain significance (1); Likely benign (1). Last evaluated 2025-10-01.

Conditions:
Developmental and epileptic encephalopathy, 36 (DEE36). Also called: Epileptic encephalopathy, early infantile, 36; ALG13-CDG; Congenital disorder of glycosylation, type Is. Identifiers: Orphanet 324422, MedGen C4317295, MONDO:0010472, OMIM 300884.

Allele frequency attached by ClinVar (database versions not stated): gnomAD 0.00001; gnomAD exomes 0.00001; TOPMed 0.00001; ESP Exome Variant Server 0.00012.
gnomAD v4.1: 10 of 1,208,886 alleles (0.00083%); highest among the groups gnomAD compares: Non-Finnish European, 0.001%; no homozygotes.

Submissions (2):

CeGaT Center for Human Genetics Tuebingen
Classification: Likely benign. Last evaluated: 2025-10-01. Review status: criteria provided, single submitter. Criteria: CeGaT Center For Human Genetics Tuebingen Variant Classification Criteria Version 2. Collection method: clinical testing. Allele origin: germline. Affected: yes. Observed: 1 variant allele.
Comment: ALG13: BP4, BS2

Labcorp Genetics (formerly Invitae), Labcorp
Classification: Uncertain significance for Developmental and epileptic encephalopathy, 36. Last evaluated: 2024-10-23. Review status: criteria provided, single submitter. Criteria: Invitae Variant Classification Sherloc (09022015). Collection method: clinical testing. Allele origin: germline.
Comment: This sequence change replaces proline, which is neutral and non-polar, with leucine, which is neutral and non-polar, at codon 1080 of the ALG13 protein (p.Pro1080Leu). This variant is not present in population databases (gnomAD no frequency). This missense change has been observed in individual(s) with clinical features of ALG13-related conditions (internal data). ClinVar contains an entry for this variant (Variation ID: 1038432). Invitae Evidence Modeling of protein sequence and biophysical properties (such as structural, functional, and spatial information, amino acid conservation, physicochemical variation, residue mobility, and thermodynamic stability) indicates that this missense variant is not expected to disrupt ALG13 protein function with a negative predictive value of 95%. Algorithms developed to predict the effect of sequence changes on RNA splicing suggest that this variant may disrupt the consensus splice site. In summary, the available evidence is currently insufficient to determine the role of this variant in disease. Therefore, it has been classified as a Variant of Uncertain Significance.

NM_001099922.3(ALG13):c.3239C>T (p.Pro1080Leu)

Gene: ALG13 (ALG13 UDP-N-acetylglucosaminyltransferase subunit; plus strand). Cytogenetic location: Xq23.
Variant type: single nucleotide variant.
Coding change: c.3239C>T on transcript NM_001099922.3 (MANE Select); coding-DNA position 3239, C replaced by T.
Protein change: p.Pro1080Leu; replaces proline 1080 with leucine.
Molecular consequence: missense variant. On other transcripts: non-coding transcript variant (1).
Genome position (GRCh38, 1-based): chrX:111,759,824, C>T. VCF-style: chrX-111759824-C-T. GRCh37 (hg19) VCF-style: chrX-111003052-C-T.
Other names: c.2690C>T, p.Pro897Leu (NM_001257230.2, NM_001257234.2, NM_001257237.2); c.3005C>T, p.Pro1002Leu (NM_001257231.2); c.3002C>T, p.Pro1001Leu (NM_001324292.2); c.2516C>T, p.Pro839Leu (NM_001324293.1); short protein forms P1080L, P1001L, P1002L, P897L, P839L.
Identifiers: ClinVar variation 1038432 (VCV001038432.13), dbSNP rs375062698, ClinGen allele CA334447068.
Genomic context (GRCh38, chrX:111,759,824, plus strand): 5'-TCCCTCATGGAGCAGTCTATTATCCAGTAATGTCAGATCCCTATGGGCAGCCACCTTTGC[C>T]AGGTTTTGACTCCTGCCTTCCGGTTGTGCCAGATTATTCCTGTGTTCCCCCCTGGCATCC-3'
Protein context (NP_001093392.1, residues 1070-1090): MSDPYGQPPL[Pro1080Leu]GFDSCLPVVP